The following is an entry in ClinVar:

ClinVar aggregate classification (germline): Uncertain significance. Review status: criteria provided, multiple submitters, no conflicts (2 of 4 stars). 2 submissions from 2 submitters: Uncertain significance (2). Last evaluated 2025-09-25.

Conditions:
Emery-Dreifuss muscular dystrophy 5, autosomal dominant (EDMD5). Also called: EMERY-DREIFUSS MUSCULAR DYSTROPHY 5. Identifiers: Orphanet 261, MedGen C2751805, MONDO:0013072, OMIM 612999.

Allele frequency attached by ClinVar (database versions not stated): ExAC 0.00001; gnomAD exomes 0.00001 and 0.00002; TOPMed 0.00001; gnomAD 0.00002.
gnomAD v4.1: 16 of 1,614,098 alleles (0.00099%); highest among the groups gnomAD compares: African/African-American, 0.0027%; no homozygotes.

Submissions (2):

Ambry Genetics
Classification: Uncertain significance. Last evaluated: 2025-09-25. Review status: criteria provided, single submitter. Criteria: Ambry Variant Classification Scheme 2023. Collection method: clinical testing. Allele origin: germline.

Labcorp Genetics (formerly Invitae), Labcorp
Classification: Uncertain significance for Emery-Dreifuss muscular dystrophy 5, autosomal dominant. Last evaluated: 2022-07-05. Review status: criteria provided, single submitter. Criteria: Invitae Variant Classification Sherloc (09022015). Collection method: clinical testing. Allele origin: germline.
Comment: This sequence change replaces isoleucine, which is neutral and non-polar, with threonine, which is neutral and polar, at codon 6763 of the SYNE2 protein (p.Ile6763Thr). This variant is present in population databases (rs758317659, gnomAD 0.02%). This variant has not been reported in the literature in individuals affected with SYNE2-related conditions. ClinVar contains an entry for this variant (Variation ID: 1428809). Algorithms developed to predict the effect of missense changes on protein structure and function are either unavailable or do not agree on the potential impact of this missense change (SIFT: "Tolerated"; PolyPhen-2: "Probably Damaging"; Align-GVGD: "Class C0"). In summary, the available evidence is currently insufficient to determine the role of this variant in disease. Therefore, it has been classified as a Variant of Uncertain Significance.

NM_182914.3(SYNE2):c.20288T>C (p.Ile6763Thr)

Gene: SYNE2 (spectrin repeat containing nuclear envelope protein 2; plus strand). Cytogenetic location: 14q23.2.
Variant type: single nucleotide variant.
Coding change: c.20288T>C on transcript NM_182914.3 (MANE Select); coding-DNA position 20288, T replaced by C.
Protein change: p.Ile6763Thr; replaces isoleucine 6763 with threonine.
Molecular consequence: missense variant.
Genome position (GRCh38, 1-based): chr14:64,223,286, T>C. VCF-style: chr14-64223286-T-C. GRCh37 (hg19) VCF-style: chr14-64690004-T-C.
Other names: c.20219T>C, p.Ile6740Thr (NM_015180.6); c.854T>C, p.Ile285Thr (NM_182910.2); c.1232T>C, p.Ile411Thr (NM_182913.4); c.20288T>C (NM_182914.2); short protein forms I285T, I411T, I6740T, I6763T.
Identifiers: ClinVar variation 1428809 (VCV001428809.7), dbSNP rs758317659, ClinGen allele CA7224802.